The following is an entry in ClinVar:

NM_003263.4(TLR1):c.948A>G (p.Gln316=)

Gene: TLR1 (toll like receptor 1; minus strand). Cytogenetic location: 4p14.
Variant type: single nucleotide variant.
Coding change: c.948A>G on transcript NM_003263.4 (MANE Select); coding-DNA position 948, A replaced by G.
Protein change: p.Gln316=; no amino-acid change (glutamine 316 retained).
Molecular consequence: synonymous variant.
Genome position (GRCh38, 1-based): chr4:38,797,884, T>C on the plus strand (A>G on the coding strand, the complement: TLR1 is on the minus strand). VCF-style: chr4-38797884-T-C. GRCh37 (hg19) VCF-style: chr4-38799505-T-C.
Identifiers: ClinVar variation 3067390 (VCV003067390.21), dbSNP rs140421533, ClinGen allele CA95643965.

ClinVar aggregate classification (germline): Likely benign (1 of 4 stars; one submission).

Allele frequency attached by ClinVar (database versions not stated): TOPMed 0.00001; gnomAD 0.00002; gnomAD exomes 0.00002; ESP Exome Variant Server 0.00008.
gnomAD v4.1: 28 of 1,613,862 alleles (0.0017%); highest among the groups gnomAD compares: Admixed American, 0.0067%; no homozygotes.

Submission:

CeGaT Center for Human Genetics Tuebingen
Classification: Likely benign. Last evaluated: 2024-03-01. Review status: criteria provided, single submitter. Criteria: CeGaT Center For Human Genetics Tuebingen Variant Classification Criteria Version 2. Collection method: clinical testing. Allele origin: germline. Affected: yes. Observed: 1 variant allele.
Comment: TLR1: BP4, BP7